The following is an entry in ClinVar:

NM_000128.4(F11):c.976C>T (p.Arg326Cys)

Gene: F11 (coagulation factor XI; plus strand). Cytogenetic location: 4q35.2.
Variant type: single nucleotide variant.
Coding change: c.976C>T on transcript NM_000128.4 (MANE Select); coding-DNA position 976, C replaced by T.
Protein change: p.Arg326Cys; replaces arginine 326 with cysteine.
Molecular consequence: missense variant.
Genome position (GRCh38, 1-based): chr4:186,280,333, C>T. VCF-style: chr4-186280333-C-T. GRCh37 (hg19) VCF-style: chr4-187201487-C-T.
Other names: F11, ARG308CYS; R308C; short protein forms R326C.
Identifiers: ClinVar variation 11898 (VCV000011898.6), dbSNP rs28934608, ClinGen allele CA121757.

ClinVar aggregate classification (germline): Likely pathogenic. Review status: criteria provided, multiple submitters, no conflicts (2 of 4 stars). 4 submissions from 4 submitters: Likely pathogenic (3). 1 of the submissions does not count toward it. Last evaluated 2025-11-23.

Conditions:
Plasma factor XI deficiency.
Hereditary factor XI deficiency disease. Also called: Congenital factor XI deficiency; PLASMA THROMBOPLASTIN ANTECEDENT DEFICIENCY; PTA DEFICIENCY; ROSENTHAL SYNDROME. Identifiers: Orphanet 329, MedGen C0015523, MeSH D005173, MONDO:0012897, OMIM 612416.

Allele frequency attached by ClinVar (database versions not stated): TOPMed 0.00002; 1000 Genomes Project 0.00020; gnomAD exomes 0.00002; 1000 Genomes Project 30x 0.00031; ExAC 0.00002; gnomAD 0.00002 and 0.00003.
gnomAD v4.1: 26 of 1,614,142 alleles (0.0016%); highest among the groups gnomAD compares: South Asian, 0.0055%; no homozygotes.

Submissions (4):

Natera, Inc.
Classification: Likely pathogenic for Plasma factor XI deficiency. Last evaluated: 2025-11-23. Review status: criteria provided, single submitter. Criteria: Natera Variant Classification Schema (03/2026). Collection method: clinical testing. Allele origin: germline.
Comment: The c.976C>T variant in F11 is a missense variant predicted to cause substitution of arginine to cysteine at amino acid 326. This variant is rare in the general population with a frequency below the threshold expected for the associated phenotype(s). This variant has been observed in one or more individuals affected with the associated recessive disease, as either homozygous or compound heterozygous with a second variant (PMID: 27067486, 18446632). A different variant at the same position has been determined to be Pathogenic or Likely Pathogenic. Computational prediction algorithms indicate this variant is likely to affect gene or protein function. Given the available evidence, this variant is classified as Likely Pathogenic.

Mayo Clinic Laboratories, Mayo Clinic
Classification: Likely pathogenic. Last evaluated: 2023-11-24. Review status: criteria provided, single submitter. Criteria: ACMG Guidelines, 2015. Collection method: clinical testing. Allele origin: germline. Observed: 1 variant allele.
Comment: PP3, PM1_supporting, PM2_moderate, PS4_moderate

NIHR Bioresource Rare Diseases, University of Cambridge
Classification: Likely pathogenic for Hereditary factor XI deficiency disease. Last evaluated: 2019-02-01. Review status: criteria provided, single submitter. Criteria: ACMG Guidelines, 2015. Collection method: research. Allele origin: unknown. Affected: yes. Observed: 1 compound heterozygote. Study: ThromboGenomics.

OMIM
Classification: Pathogenic for FACTOR XI DEFICIENCY. Last evaluated: 1999-12-01. Review status: no assertion criteria provided. Collection method: literature only. Allele origin: germline. Not counted in ClinVar's aggregate classification.

Literature cited by the submitters: PubMed 27067486 (cited by Natera, Inc. and Mayo Clinic Laboratories, Mayo Clinic); PubMed 18446632 (cited by Natera, Inc. and Mayo Clinic Laboratories, Mayo Clinic); PubMed 10606881 (cited by Mayo Clinic Laboratories, Mayo Clinic and OMIM); PubMed 16835901 (cited by Mayo Clinic Laboratories, Mayo Clinic); PubMed 19652879 (cited by Mayo Clinic Laboratories, Mayo Clinic); PubMed 31064749 (cited by Mayo Clinic Laboratories, Mayo Clinic and NIHR Bioresource Rare Diseases, University of Cambridge); PubMed 33298665 (cited by Mayo Clinic Laboratories, Mayo Clinic); PubMed 35685318 (cited by Mayo Clinic Laboratories, Mayo Clinic).